The following is an entry in ClinVar:

NM_001256789.3(CACNA1F):c.4690+6C>T

Genes: CACNA1F (calcium voltage-gated channel subunit alpha1 F; minus strand), LOC126863257 (BRD4-independent group 4 enhancer GRCh37_chrX:49065732-49066931; plus strand). Cytogenetic location: Xp11.23.
Variant type: single nucleotide variant.
Coding change: c.4690+6C>T on transcript NM_001256789.3 (MANE Select); 6 bases into the intron after coding-DNA position 4690, C replaced by T.
Molecular consequence: intron variant.
Genome position (GRCh38, 1-based): chrX:49,209,935, G>A on the plus strand (C>T on the coding strand, the complement: CACNA1F is on the minus strand). VCF-style: chrX-49209935-G-A. GRCh37 (hg19) VCF-style: chrX-49066395-G-A.
Other names: c.4723+6C>T (NM_005183.4); c.4528+6C>T (NM_001256790.3).
Identifiers: ClinVar variation 2106288 (VCV002106288.4), dbSNP rs2520756249, ClinGen allele CA2579607125.
Genomic context (GRCh38, chrX:49,209,935, plus strand): 5'-TGTGGTGGAGAGCGATCATCTGCCATTCAGGGGCTGGCGCGGGGAACTGGGGCGGGGATA[G>A]CTCACCGTCTGGTGGGGGGATGACCTCATCTAGCAGCTTCTGTTTCATCCGCTTCCAGAT-3'

ClinVar aggregate classification (germline): Uncertain significance (1 of 4 stars; one submission).

Submission:

Labcorp Genetics (formerly Invitae), Labcorp
Classification: Uncertain significance. Last evaluated: 2022-03-04. Review status: criteria provided, single submitter. Criteria: Invitae Variant Classification Sherloc (09022015). Collection method: clinical testing. Allele origin: germline.
Comment: This sequence change falls in intron 40 of the CACNA1F gene. It does not directly change the encoded amino acid sequence of the CACNA1F protein. It affects a nucleotide within the consensus splice site. In summary, the available evidence is currently insufficient to determine the role of this variant in disease. Therefore, it has been classified as a Variant of Uncertain Significance. Variants that disrupt the consensus splice site are a relatively common cause of aberrant splicing (PMID: 17576681, 9536098). Algorithms developed to predict the effect of sequence changes on RNA splicing suggest that this variant is not likely to affect RNA splicing. This variant has not been reported in the literature in individuals affected with CACNA1F-related conditions. This variant is not present in population databases (gnomAD no frequency).

Literature cited by the submitters: PubMed 17576681; PubMed 9536098.